The following is an entry in ClinVar:

ClinVar aggregate classification (germline): Uncertain significance (1 of 4 stars; one submission).

Conditions:
Progressive sclerosing poliodystrophy (MTDPS4A). Also called: Mitochondrial DNA Depletion Syndrome 4A; ALPERS PROGRESSIVE INFANTILE POLIODYSTROPHY; NEURONAL DEGENERATION OF CHILDHOOD WITH LIVER DISEASE, PROGRESSIVE; Mitochondrial DNA depletion syndrome 4A (Alpers type); Alpers Syndrome; ALPERS DIFFUSE DEGENERATION OF CEREBRAL GRAY MATTER WITH HEPATIC CIRRHOSIS. Identifiers: Orphanet 726, MedGen C0205710, MONDO:0008758, OMIM 203700.

Submission:

Labcorp Genetics (formerly Invitae), Labcorp
Classification: Uncertain significance for Progressive sclerosing poliodystrophy. Last evaluated: 2022-09-20. Review status: criteria provided, single submitter. Criteria: Invitae Variant Classification Sherloc (09022015). Collection method: clinical testing. Allele origin: germline.
Comment: In summary, the available evidence is currently insufficient to determine the role of this variant in disease. Therefore, it has been classified as a Variant of Uncertain Significance. Experimental studies and prediction algorithms are not available or were not evaluated, and the functional significance of this variant is currently unknown. This variant has not been reported in the literature in individuals affected with POLG-related conditions. This variant is not present in population databases (gnomAD no frequency). This variant, c.125_133del, results in the deletion of 3 amino acid(s) of the POLG protein (p.Arg42_Gln44del), but otherwise preserves the integrity of the reading frame.

NM_002693.3(POLG):c.125_133del (p.Arg42_Gln44del)

Genes: POLG (DNA polymerase gamma, catalytic subunit; minus strand), POLGARF (POLG alternative reading frame; minus strand). Cytogenetic location: 15q26.1.
Variant type: Deletion.
Coding change: c.125_133del on transcript NM_002693.3 (MANE Select); coding-DNA positions 125 to 133, 9 bases deleted (GGCAGCAGC; older notation c.125_133delGGCAGCAGC).
Protein change: p.Arg42_Gln44del.
Molecular consequence: inframe deletion.
Genome position (GRCh38, 1-based): chr15:89,333,622-89,333,630, GCTGCTGCC deleted on the plus strand (GGCAGCAGC on the coding strand, the reverse complement: POLG is on the minus strand); deleting any 9 consecutive bases within chr15:89,333,622-89,333,632 gives the same sequence; the c. name uses the placement nearest the transcript's 3' end. VCF-style (leftmost placement, unchanged base first): chr15-89333621-TGCTGCTGCC-T. GRCh37 (hg19) VCF-style: chr15-89876852-TGCTGCTGCC-T.
Other names: c.125_133del, p.Arg42_Gln44del (NM_001126131.2).
Identifiers: ClinVar variation 2031435 (VCV002031435.4), dbSNP rs749530934, ClinGen allele CA7725194.